The following is an entry in ClinVar:

ClinVar aggregate classification (germline): Uncertain significance (1 of 4 stars; one submission).

Conditions:
Marfan syndrome (MFS). Also called: FBN1-Related Marfan Syndrome; MARFAN SYNDROME, TYPE I; Marfan syndrome type 1; Marfan's syndrome; Marfan syndrome, classic. Identifiers: Orphanet 284963, Orphanet 558, MedGen C0024796, MONDO:0007947, OMIM 154700.
Familial thoracic aortic aneurysm and aortic dissection (TAAD). Also called: Thoracic aortic aneurysms and dissections. Identifiers: Orphanet 91387, MedGen C4707243, MONDO:0019625.

gnomAD v4.1: 2 of 1,613,716 alleles (0.00012%); highest among the groups gnomAD compares: African/African-American, 0.0027%; no homozygotes.

Submission:

Labcorp Genetics (formerly Invitae), Labcorp
Classification: Uncertain significance for Marfan syndrome; Familial thoracic aortic aneurysm and aortic dissection. Last evaluated: 2025-07-27. Review status: criteria provided, single submitter. Criteria: Invitae Variant Classification Sherloc (09022015). Collection method: clinical testing. Allele origin: germline.
Comment: This sequence change replaces glutamine, which is neutral and polar, with histidine, which is basic and polar, at codon 2553 of the FBN1 protein (p.Gln2553His). This variant is not present in population databases (gnomAD no frequency). This variant has not been reported in the literature in individuals affected with FBN1-related conditions. Invitae Evidence Modeling of protein sequence and biophysical properties (such as structural, functional, and spatial information, amino acid conservation, physicochemical variation, residue mobility, and thermodynamic stability) indicates that this missense variant is not expected to disrupt FBN1 protein function with a negative predictive value of 95%. In summary, the available evidence is currently insufficient to determine the role of this variant in disease. Therefore, it has been classified as a Variant of Uncertain Significance.

NM_000138.5(FBN1):c.7659G>C (p.Gln2553His)

Gene: FBN1 (fibrillin 1; minus strand). Cytogenetic location: 15q21.1.
Variant type: single nucleotide variant.
Coding change: c.7659G>C on transcript NM_000138.5 (MANE Select); coding-DNA position 7659, G replaced by C.
Protein change: p.Gln2553His; replaces glutamine 2553 with histidine.
Molecular consequence: missense variant.
Genome position (GRCh38, 1-based): chr15:48,421,598, C>G on the plus strand (G>C on the coding strand, the complement: FBN1 is on the minus strand). VCF-style: chr15-48421598-C-G. GRCh37 (hg19) VCF-style: chr15-48713795-C-G.
Other names: c.7659G>C, p.Gln2553His (NM_001406716.1); short protein forms Q2553H.
Identifiers: ClinVar variation 4792872 (VCV004792872.1).